The following is an entry in ClinVar:

ClinVar aggregate classification (germline): Uncertain significance (1 of 4 stars; one submission).

Submission:

Labcorp Genetics (formerly Invitae), Labcorp
Classification: Uncertain significance. Last evaluated: 2023-01-19. Review status: criteria provided, single submitter. Criteria: Invitae Variant Classification Sherloc (09022015). Collection method: clinical testing. Allele origin: germline.
Comment: Experimental studies and prediction algorithms are not available or were not evaluated, and the functional significance of this variant is currently unknown. In summary, the available evidence is currently insufficient to determine the role of this variant in disease. Therefore, it has been classified as a Variant of Uncertain Significance. Algorithms developed to predict the effect of sequence changes on RNA splicing suggest that this variant may disrupt the consensus splice site. ClinVar contains an entry for this variant (Variation ID: 853804). This variant has not been reported in the literature in individuals affected with FSCN2-related conditions. This variant is not present in population databases (gnomAD no frequency). This variant is a gross deletion of the genomic region encompassing exon 4 of the FSCN2 gene. This variant would be expected to be in-frame, preserving the integrity of the reading frame.

NM_012418.4(FSCN2):c.1106-79_1274-8del

Gene: FSCN2 (fascin actin-bundling protein 2, retinal; plus strand). Cytogenetic location: 17q25.3.
Variant type: Deletion.
Coding change: c.1106-79_1274-8del on transcript NM_012418.4 (MANE Select); 79 bases into the intron before coding-DNA position 1106 through 8 bases into the intron before coding-DNA position 1274, 325 bases deleted.
Molecular consequence: splice acceptor variant, splice donor variant.
Genome position (GRCh38, 1-based): chr17:81,536,543-81,536,867, 325 bases deleted. GRCh37 (hg19): chr17:79,503,569-79,503,893.
Other names: c.1106-7_1346-8del (NM_001077182.3).
Identifiers: ClinVar variation 853804 (VCV000853804.8), dbSNP rs2032883369, ClinGen allele CA916083628.